The following is an entry in ClinVar:

NM_177438.3(DICER1):c.5094T>C (p.Thr1698=)

Gene: DICER1 (dicer 1, ribonuclease III; minus strand). Cytogenetic location: 14q32.13.
Variant type: single nucleotide variant.
Coding change: c.5094T>C on transcript NM_177438.3 (MANE Select); coding-DNA position 5094, T replaced by C.
Protein change: p.Thr1698=; no amino-acid change (threonine 1698 retained).
Molecular consequence: synonymous variant.
Genome position (GRCh38, 1-based): chr14:95,095,826, A>G on the plus strand (T>C on the coding strand, the complement: DICER1 is on the minus strand). VCF-style: chr14-95095826-A-G. GRCh37 (hg19) VCF-style: chr14-95562163-A-G.
Other names: c.5094T>C, p.Thr1698= (NM_001195573.1, NM_001271282.3, NM_001291628.2 and 1 more transcripts).
Identifiers: ClinVar variation 1017477 (VCV001017477.11), dbSNP rs1890256179, ClinGen allele CA487625657.

ClinVar aggregate classification (germline): Uncertain significance (1 of 4 stars; one submission).

Conditions:
DICER1-related tumor predisposition. Also called: DICER1-related pleuropulmonary blastoma cancer predisposition syndrome; DICER1 syndrome. Identifiers: Orphanet 284343, MedGen C3839822, MONDO:0100216.

Submission:

Labcorp Genetics (formerly Invitae), Labcorp
Classification: Uncertain significance for DICER1-related tumor predisposition. Last evaluated: 2025-12-02. Review status: criteria provided, single submitter. Criteria: Invitae Variant Classification Sherloc (09022015). Collection method: clinical testing. Allele origin: germline.
Comment: This sequence change affects codon 1698 of the DICER1 mRNA. It is a 'silent' change, meaning that it does not change the encoded amino acid sequence of the DICER1 protein. It affects a nucleotide within the consensus splice site. This variant is not present in population databases (gnomAD no frequency). This variant has not been reported in the literature in individuals affected with DICER1-related conditions. ClinVar contains an entry for this variant (Variation ID: 1017477). Algorithms developed to predict the effect of sequence changes on RNA splicing suggest that this variant is not likely to affect RNA splicing. In summary, the available evidence is currently insufficient to determine the role of this variant in disease. Therefore, it has been classified as a Variant of Uncertain Significance.